The following is an entry in ClinVar:

ClinVar aggregate classification (germline): Uncertain significance (1 of 4 stars; one submission).

Allele frequency attached by ClinVar (database versions not stated): gnomAD exomes 0.00001; gnomAD 0.00003; TOPMed 0.00007.
gnomAD v4.1: 22 of 1,614,026 alleles (0.0014%); highest among the groups gnomAD compares: Admixed American, 0.018%; no homozygotes.

Submission:

Labcorp Genetics (formerly Invitae), Labcorp
Classification: Uncertain significance. Last evaluated: 2022-07-25. Review status: criteria provided, single submitter. Criteria: Invitae Variant Classification Sherloc (09022015). Collection method: clinical testing. Allele origin: germline.
Comment: This sequence change replaces alanine, which is neutral and non-polar, with valine, which is neutral and non-polar, at codon 89 of the NDUFA10 protein (p.Ala89Val). This variant is present in population databases (no rsID available, gnomAD 0.01%). This variant has not been reported in the literature in individuals affected with NDUFA10-related conditions. Algorithms developed to predict the effect of missense changes on protein structure and function (SIFT, PolyPhen-2, Align-GVGD) all suggest that this variant is likely to be tolerated. In summary, the available evidence is currently insufficient to determine the role of this variant in disease. Therefore, it has been classified as a Variant of Uncertain Significance.

NM_004544.4(NDUFA10):c.266C>T (p.Ala89Val)

Gene: NDUFA10 (NADH:ubiquinone oxidoreductase subunit A10; minus strand). Cytogenetic location: 2q37.3.
Variant type: single nucleotide variant.
Coding change: c.266C>T on transcript NM_004544.4 (MANE Select); coding-DNA position 266, C replaced by T.
Protein change: p.Ala89Val; replaces alanine 89 with valine.
Molecular consequence: missense variant. On other transcripts: non-coding transcript variant (4).
Genome position (GRCh38, 1-based): chr2:240,021,391, G>A on the plus strand (C>T on the coding strand, the complement: NDUFA10 is on the minus strand). VCF-style: chr2-240021391-G-A. GRCh37 (hg19) VCF-style: chr2-240960808-G-A.
Other names: c.266C>T, p.Ala89Val (NM_001322019.2, NM_001322020.2, NM_001410987.1); short protein forms A89V.
Identifiers: ClinVar variation 2045684 (VCV002045684.1), dbSNP rs893201618, ClinGen allele CA68070130.